The following is an entry in ClinVar:

ClinVar aggregate classification (germline): Uncertain significance (1 of 4 stars; one submission).

Conditions:
Dyskeratosis congenita, autosomal dominant 1 (DKCA1). Also called: Dyskeratosis congenita Scoggins type. Identifiers: Orphanet 1775, MedGen C4551974, MONDO:0007485, OMIM 127550. Inheritance: Variable.

Submission:

Labcorp Genetics (formerly Invitae), Labcorp
Classification: Uncertain significance for Dyskeratosis congenita, autosomal dominant 1. Last evaluated: 2021-11-05. Review status: criteria provided, single submitter. Criteria: Invitae Variant Classification Sherloc (09022015). Collection method: clinical testing. Allele origin: germline.
Comment: This variant is located within the template/pseudoknot domain of the TERC RNA component, which is required for RNA or RNP stability (PMID: 15082312, 21844345). In summary, the available evidence is currently insufficient to determine the role of this variant in disease. Therefore, it has been classified as a Variant of Uncertain Significance. This variant is located in a region of TERC in which a significant number of disease causing variants have been reported (PMID: 15082312, 21844345, 21931702). These observations suggest that this may be a clinically significant region. This variant has not been reported in the literature in individuals affected with TERC-related conditions. This variant is not present in population databases (gnomAD no frequency). This variant occurs in the TERC gene, which encodes an RNA molecule that does not result in a protein product.

Literature cited by the submitters: PubMed 15082312; PubMed 21844345; PubMed 21931702.

NC_000003.12:g.169765001C>T

Genes: TERC (telomerase RNA component; minus strand), LOC110806306 (telomerase RNA component (TERC) promoter; plus strand). Cytogenetic location: 3q26.2.
Variant type: single nucleotide variant.
Genome position: GRCh38 VCF-style: chr3-169765001-C-T. GRCh37 (hg19) VCF-style: chr3-169482789-C-T.
Identifiers: ClinVar variation 1392178 (VCV001392178.6), dbSNP rs1777964257, ClinGen allele CA436715923.